The following is an entry in ClinVar:

NM_000263.4(NAGLU):c.430TGG[1] (p.Trp145del)

Gene: NAGLU (N-acetyl-alpha-glucosaminidase; plus strand). Cytogenetic location: 17q21.2.
Variant type: Microsatellite.
Coding change: c.430TGG[1] on transcript NM_000263.4 (MANE Select); one copy of the 3-base unit TGG starting at c.430; the reference has two copies in a row; one copy, 3 bases deleted.
Protein change: p.Trp145del; deletes tryptophan 145.
Molecular consequence: inframe deletion.
Genome position (GRCh38, 1-based): chr17:42,537,447-42,537,449, TGG deleted; deleting any 3 consecutive bases within chr17:42,537,443-42,537,449 gives the same sequence; the position shown is the placement nearest the transcript's 3' end. VCF-style (leftmost placement, unchanged base first): chr17-42537442-TGTG-T. GRCh37 (hg19) VCF-style: chr17-40689460-TGTG-T.
Other names: short protein forms W145del.
Identifiers: ClinVar variation 2637141 (VCV002637141.1), dbSNP rs2510652114, ClinGen allele CA2695201354.
Genomic context (GRCh38, chr17:42,537,442, plus strand): 5'-ATGACACTGCCCGCAGGTACCGCTATTACCAGAATGTGTGCACGCAAAGCTACTCTTTCG[TGTG>T]GTGGGACTGGGCCCGCTGGGAGCGAGAGATAGACTGGATGGCGCTGAATGGCATCAACCT-3'

ClinVar aggregate classification (germline): Likely pathogenic (1 of 4 stars; one submission).

Conditions:
NAGLU-related disorder. Also called: NAGLU-related condition.

Submission:

PreventionGenetics, part of Exact Sciences
Classification: Likely pathogenic for NAGLU-related condition. Last evaluated: 2023-01-09. Review status: criteria provided, single submitter. Criteria: ACMG Guidelines, 2015. Collection method: clinical testing. Allele origin: germline.
Comment: The NAGLU c.433_435delTGG variant is predicted to result in an in-frame deletion (p.Trp145del). To our knowledge, this variant has not been reported in the literature or in a large population database, indicating this variant is rare. Other inframe deletions in NAGLU have been described as disease causing. We interpret this variant as likely pathogenic.